The following is an entry in ClinVar:

NM_020738.4(KIDINS220):c.153G>A (p.Leu51=)

Gene: KIDINS220 (kinase D interacting substrate 220; minus strand). Cytogenetic location: 2p25.1.
Variant type: single nucleotide variant.
Coding change: c.153G>A on transcript NM_020738.4 (MANE Select); coding-DNA position 153, G replaced by A.
Protein change: p.Leu51=; no amino-acid change (leucine 51 retained).
Molecular consequence: synonymous variant. On other transcripts: non-coding transcript variant (2).
Genome position (GRCh38, 1-based): chr2:8,818,749, C>T on the plus strand (G>A on the coding strand, the complement: KIDINS220 is on the minus strand). VCF-style: chr2-8818749-C-T. GRCh37 (hg19) VCF-style: chr2-8958879-C-T.
Other names: c.153G>A (NM_020738.2); c.153G>A, p.Leu51= (NM_001348729.2, NM_001348731.2, NM_001348732.2 and 9 more transcripts); c.27G>A, p.Leu9= (NM_001348736.2).
Identifiers: ClinVar variation 3016920 (VCV003016920.20), dbSNP rs371742619, ClinGen allele CA1520512.

ClinVar aggregate classification (germline): Likely benign. Review status: criteria provided, multiple submitters, no conflicts (2 of 4 stars). 3 submissions from 3 submitters: Likely benign (3). Last evaluated 2026-05-12.

Conditions:
KIDINS220-related disorder. Also called: KIDINS220-related condition.

Allele frequency attached by ClinVar (database versions not stated): gnomAD exomes 0.00001; TOPMed 0.00001; gnomAD 0.00002; ExAC 0.00003; ESP Exome Variant Server 0.00008.
gnomAD v4.1: 24 of 1,610,166 alleles (0.0015%); highest among the groups gnomAD compares: Non-Finnish European, 0.0019%; no homozygotes.

Submissions (3):

PreventionGenetics, part of Exact Sciences
Classification: Likely benign for KIDINS220-related condition. Last evaluated: 2026-05-12. Review status: criteria provided, single submitter. Criteria: ACMG Guidelines, 2015. Collection method: clinical testing. Allele origin: germline.
Comment: This variant is classified as likely benign based on ACMG/AMP sequence variant interpretation guidelines (Richards et al. 2015 PMID: 25741868, with internal and published modifications).

CeGaT Center for Human Genetics Tuebingen
Classification: Likely benign. Last evaluated: 2024-08-01. Review status: criteria provided, single submitter. Criteria: CeGaT Center For Human Genetics Tuebingen Variant Classification Criteria Version 2. Collection method: clinical testing. Allele origin: germline. Affected: yes. Observed: 1 variant allele.
Comment: KIDINS220: BP4, BP7

Labcorp Genetics (formerly Invitae), Labcorp
Classification: Likely benign. Last evaluated: 2024-02-23. Review status: criteria provided, single submitter. Criteria: Invitae Variant Classification Sherloc (09022015). Collection method: clinical testing. Allele origin: germline.